The following is an entry in ClinVar:

NM_000059.4(BRCA2):c.9801G>T (p.Lys3267Asn)

Gene: BRCA2 (BRCA2 DNA repair associated; plus strand). Cytogenetic location: 13q13.1.
Variant type: single nucleotide variant.
Coding change: c.9801G>T on transcript NM_000059.4 (MANE Select); coding-DNA position 9801, G replaced by T.
Protein change: p.Lys3267Asn; replaces lysine 3267 with asparagine.
Molecular consequence: missense variant. On other transcripts: non-coding transcript variant (1).
Genome position (GRCh38, 1-based): chr13:32,398,314, G>T. VCF-style: chr13-32398314-G-T. GRCh37 (hg19) VCF-style: chr13-32972451-G-T.
Other names: c.9705G>T, p.Lys3235Asn (NM_001406719.1); c.9750G>T, p.Lys3250Asn (NM_001406720.1); c.4869G>T, p.Lys1623Asn (NM_001406721.1); c.3384G>T, p.Lys1128Asn (NM_001406722.1); c.9801G>T, p.Lys3267Asn (NM_001432077.1); short protein forms K1128N, K3267N, K3235N, K3250N, K1623N.
Identifiers: ClinVar variation 3691541 (VCV003691541.3).

ClinVar aggregate classification (germline): Conflicting classifications of pathogenicity. Review status: criteria provided, conflicting classifications (1 of 4 stars). 2 submissions from 2 submitters: Uncertain significance (1); Likely benign (1). Last evaluated 2025-05-08.

Conditions:
Hereditary breast ovarian cancer syndrome. Also called: BRCA1- and BRCA2-Associated Hereditary Breast and Ovarian Cancer; Breast and ovarian cancer; Hereditary breast and ovarian cancer; Hereditary breast and ovarian cancer syndrome (HBOC); Hereditary breast and ovarian cancer syndrome; Hereditary breast and/or ovarian cancer syndrome. Identifiers: Orphanet 145, MedGen C0677776, MeSH D061325, MONDO:0003582. Disease mechanism: loss of function.
Hereditary cancer-predisposing syndrome. Also called: Tumor predisposition; Neoplastic Syndromes, Hereditary; Hereditary Cancer Syndrome; Hereditary neoplastic syndrome. Identifiers: Orphanet 140162, MedGen C0027672, MeSH D009386, MONDO:0015356.

Submissions (2):

Ambry Genetics
Classification: Likely benign for Hereditary cancer-predisposing syndrome. Last evaluated: 2025-05-08. Review status: criteria provided, single submitter. Criteria: Ambry Variant Classification Scheme 2023. Collection method: clinical testing. Allele origin: germline.

Labcorp Genetics (formerly Invitae), Labcorp
Classification: Uncertain significance for Hereditary breast ovarian cancer syndrome. Last evaluated: 2024-10-28. Review status: criteria provided, single submitter. Criteria: Invitae Variant Classification Sherloc (09022015). Collection method: clinical testing. Allele origin: germline.
Comment: This sequence change replaces lysine, which is basic and polar, with asparagine, which is neutral and polar, at codon 3267 of the BRCA2 protein (p.Lys3267Asn). This variant is not present in population databases (gnomAD no frequency). This variant has not been reported in the literature in individuals affected with BRCA2-related conditions. Invitae Evidence Modeling of protein sequence and biophysical properties (such as structural, functional, and spatial information, amino acid conservation, physicochemical variation, residue mobility, and thermodynamic stability) indicates that this missense variant is not expected to disrupt BRCA2 protein function with a negative predictive value of 95%. In summary, the available evidence is currently insufficient to determine the role of this variant in disease. Therefore, it has been classified as a Variant of Uncertain Significance.